The following is an entry in ClinVar:

ClinVar aggregate classification (germline): Uncertain significance (1 of 4 stars; one submission).

Conditions:
Loeys-Dietz syndrome 2 (LDS2). Also called: TGFBR2-Related Loeys-Dietz Syndrome; Marfan Syndrome type 2; Marfan like connective tissue disorder; MFS 2; AORTIC ANEURYSM, FAMILIAL THORACIC 3; MARFAN SYNDROME, TYPE II. Identifiers: Orphanet 284973, Orphanet 558, MedGen C2674574, MONDO:0012427, OMIM 610168.

Submission:

Labcorp Genetics (formerly Invitae), Labcorp
Classification: Uncertain significance for Loeys-Dietz syndrome 2. Last evaluated: 2025-02-10. Review status: criteria provided, single submitter. Criteria: Invitae Variant Classification Sherloc (09022015). Collection method: clinical testing. Allele origin: germline.
Comment: This sequence change replaces threonine, which is neutral and polar, with alanine, which is neutral and non-polar, at codon 586 of the TMPO protein (p.Thr586Ala). This variant is not present in population databases (gnomAD no frequency). This variant has not been reported in the literature in individuals affected with TMPO-related conditions. ClinVar contains an entry for this variant (Variation ID: 1390990). Invitae Evidence Modeling of protein sequence and biophysical properties (such as structural, functional, and spatial information, amino acid conservation, physicochemical variation, residue mobility, and thermodynamic stability) indicates that this missense variant is not expected to disrupt TMPO protein function with a negative predictive value of 80%. In summary, the available evidence is currently insufficient to determine the role of this variant in disease. Therefore, it has been classified as a Variant of Uncertain Significance.

NM_001032283.3(TMPO):c.565+2175A>G

Gene: TMPO (thymopoietin; plus strand). Cytogenetic location: 12q23.1.
Variant type: single nucleotide variant.
Coding change: c.565+2175A>G on transcript NM_001032283.3 (MANE Select); 2175 bases into the intron after coding-DNA position 565, A replaced by G.
Molecular consequence: intron variant. On other transcripts: missense variant (1).
Genome position (GRCh38, 1-based): chr12:98,534,013, A>G. VCF-style: chr12-98534013-A-G. GRCh37 (hg19) VCF-style: chr12-98927791-A-G.
Other names: c.1756A>G, p.Thr586Ala (NM_003276.2); c.565+2175A>G (NM_001307975.2, NM_001032284.3); short protein forms T586A.
Identifiers: ClinVar variation 1390990 (VCV001390990.8), dbSNP rs1877399544, ClinGen allele CA386153868.